The following is an entry in ClinVar:

ClinVar aggregate classification (germline): Uncertain significance (1 of 4 stars; one submission).

Conditions:
Parenti-mignot neurodevelopmental syndrome. Identifiers: MedGen C5676984, MONDO:0859249, OMIM 619873.

Submission:

Laboratorio de Genetica e Diagnostico Molecular, Hospital Israelita Albert Einstein
Classification: Uncertain significance for Parenti-mignot neurodevelopmental syndrome. Last evaluated: 2025-10-24. Review status: criteria provided, single submitter. Criteria: ACMG Guidelines, 2015. Collection method: clinical testing. Allele origin: germline. Affected: yes.
Comment: ACMG classification criteria: PM2 supporting, PP2 supporting, PP3 supporting

NM_015557.3(CHD5):c.5618C>T (p.Ala1873Val)

Gene: CHD5 (chromodomain helicase DNA binding protein 5; minus strand). Cytogenetic location: 1p36.31.
Variant type: single nucleotide variant.
Coding change: c.5618C>T on transcript NM_015557.3 (MANE Select); coding-DNA position 5618, C replaced by T.
Protein change: p.Ala1873Val; replaces alanine 1873 with valine.
Molecular consequence: missense variant.
Genome position (GRCh38, 1-based): chr1:6,106,740, G>A on the plus strand (C>T on the coding strand, the complement: CHD5 is on the minus strand). VCF-style: chr1-6106740-G-A. GRCh37 (hg19) VCF-style: chr1-6166800-G-A.
Other names: short protein forms A1873V.
Identifiers: ClinVar variation 4846993 (VCV004846993.1).